The following is an entry in ClinVar:

NM_018319.4(TDP1):c.1478A>G (p.His493Arg)

Gene: TDP1 (tyrosyl-DNA phosphodiesterase 1; plus strand). Cytogenetic location: 14q32.11.
Variant type: single nucleotide variant.
Coding change: c.1478A>G on transcript NM_018319.4 (MANE Select); coding-DNA position 1478, A replaced by G.
Protein change: p.His493Arg; replaces histidine 493 with arginine.
Molecular consequence: missense variant.
Genome position (GRCh38, 1-based): chr14:89,993,420, A>G. VCF-style: chr14-89993420-A-G. GRCh37 (hg19) VCF-style: chr14-90459764-A-G.
Other names: c.1478A>G, p.His493Arg (NM_001008744.2, NM_001330205.2); short protein forms H493R.
Identifiers: ClinVar variation 3424 (VCV000003424.8), dbSNP rs119467003, ClinGen allele CA252767.

ClinVar aggregate classification (germline): Pathogenic. Review status: criteria provided, multiple submitters, no conflicts (2 of 4 stars). 6 submissions from 6 submitters: Pathogenic (5). 1 of the submissions does not count toward it. Last evaluated 2025-08-25.

Conditions:
Spinocerebellar ataxia, autosomal recessive, with axonal neuropathy 1 (SCAN1). Identifiers: Orphanet 94124, MedGen C4759870, MONDO:0011801, OMIM 607250.

Allele frequency attached by ClinVar (database versions not stated): gnomAD exomes 0.00001; TOPMed 0.00001; gnomAD 0.00002.
gnomAD v4.1: 13 of 1,613,830 alleles (0.00081%); highest among the groups gnomAD compares: African/African-American, 0.013%; no homozygotes.

Submissions (6):

Clinical Omics and Informatics (COIN) Unit, Neuroscience Institute, University Of Cape Town
Classification: Pathogenic for Spinocerebellar ataxia, autosomal recessive, with axonal neuropathy 1. Last evaluated: 2025-08-25. Review status: criteria provided, single submitter. Criteria: ACMG Guidelines, 2015. Collection method: research. Allele origin: germline. Inheritance: Autosomal recessive inheritance. Affected: yes. Observed: 2 variant alleles.
Comment: The highest allele frequency in gnomAD v4.0 is 0.0001335 (10/74916 alleles) in African/African American population). PP3_Strong: REVEL score is 0.95. PS3_Supporting: functional studies provide supportive evidence that the variant has a damaging effect on the gene or gene product (PMID:15920477,16141202). PS4 Met: this variant has been observed in >10 probands with consistent phenotype for disorder. Sequencing funded by the International Centre for Genomic Medicine in Neuromuscular Diseases (ICGNMD).

Genomic Medicine Center of Excellence, King Faisal Specialist Hospital and Research Centre
Classification: Pathogenic for Spinocerebellar ataxia, autosomal recessive, with axonal neuropathy 1. Last evaluated: 2024-09-22. Review status: criteria provided, single submitter. Criteria: ACMG Guidelines, 2015. Collection method: clinical testing. Allele origin: germline.

Johns Hopkins Genomics, Johns Hopkins University
Classification: Pathogenic for Spinocerebellar ataxia, autosomal recessive, with axonal neuropathy 1. Last evaluated: 2023-04-20. Review status: criteria provided, single submitter. Criteria: ACMG Guidelines, 2015. Collection method: clinical testing. Allele origin: germline.
Comment: This TDP1 variant (rs119467003) is absent from a large population dataset and has been reported in ClinVar. The histidine residue at this position is strongly conserved across the vertebrate species assessed. This amino acid substitution (p.His493Arg) changes a key active site residue that serves as a proton donor/acceptor. Functional studies demonstrate that this variant creates a TDP1-DNA covalent intermediate that results in reduced protein activity and altered protein function. This same variant has been detected in a homozygous state in three independent families with SCAN1. We consider c.1478A>G (p.His493Arg) to be pathogenic for autosomal recessive spinocerebellar ataxia with axonal neuropathy-1 (SCAN1).

GeneDx
Classification: Pathogenic. Last evaluated: 2022-08-23. Review status: criteria provided, single submitter. Criteria: GeneDx Variant Classification Process June 2021. Collection method: clinical testing. Allele origin: germline. Affected: yes.
Comment: Published functional studies demonstrate that this variant creates a TDP1-DNA complex that results in reduced protein activity and altered protein function (Interthal et al., 2005a, Interthal et al. 2005b, Hirano et al. 2007); Not observed at significant frequency in large population cohorts (gnomAD); In silico analysis supports that this missense variant has a deleterious effect on protein structure/function; This variant is associated with the following publications: (PMID: 21463258, 21246735, 21167187, 22536944, 19883083, 22788692, 25024006, 25111769, 31723605, 24856239, 26601161, 17948061, 19139070, 22214184, 22522093, 23626666, 25841101, 29898404, 16141202, 19211312, 19476377, 21677033, 22155078, 24637157, 16935573, 19139134, 20687496, 20097655, 33425909, 15744309, 24236237, 31429931, 12244316, 31182267, 15920477)

Baylor Genetics
Classification: Pathogenic for Spinocerebellar ataxia, autosomal recessive, with axonal neuropathy 1. Last evaluated: 2019-11-06. Review status: criteria provided, single submitter. Criteria: ACMG Guidelines, 2015. Collection method: clinical testing. Allele origin: unknown. Affected: yes.
Comment: This variant was determined to be pathogenic according to ACMG Guidelines, 2015 [PMID:25741868].

OMIM
Classification: Pathogenic for SPINOCEREBELLAR ATAXIA, AUTOSOMAL RECESSIVE, WITH AXONAL NEUROPATHY 1 (1 family). Last evaluated: 2002-10-01. Review status: no assertion criteria provided. Collection method: literature only. Allele origin: germline. Not counted in ClinVar's aggregate classification.

Literature cited by the submitters: PubMed 15920477 (cited by Clinical Omics and Informatics (COIN) Unit, Neuroscience Institute, University Of Cape Town and Johns Hopkins Genomics, Johns Hopkins University); PubMed 16141202 (cited by Clinical Omics and Informatics (COIN) Unit, Neuroscience Institute, University Of Cape Town); PubMed 12244316 (cited by Johns Hopkins Genomics, Johns Hopkins University and OMIM); PubMed 12470949 (cited by Johns Hopkins Genomics, Johns Hopkins University); PubMed 15111055 (cited by Johns Hopkins Genomics, Johns Hopkins University); PubMed 17948061 (cited by Johns Hopkins Genomics, Johns Hopkins University); PubMed 31182267 (cited by Johns Hopkins Genomics, Johns Hopkins University).